The following is an entry in ClinVar:

ClinVar aggregate classification (germline): Uncertain significance (1 of 4 stars; one submission).

Conditions:
Autosomal recessive limb-girdle muscular dystrophy type 2W (MDRCMTT). Also called: Muscular dystrophy, autosomal recessive, with cardiomyopathy and triangular tongue; Muscular dystrophy, limb-girdle, type 2W. Identifiers: MedGen C4225192, MONDO:0014788, OMIM 616827.

Allele frequency attached by ClinVar (database versions not stated): TOPMed 0.00001.
gnomAD v4.1: 2 of 1,613,814 alleles (0.00012%); highest among the groups gnomAD compares: Non-Finnish European, 0.00017%; no homozygotes.

Submission:

Labcorp Genetics (formerly Invitae), Labcorp
Classification: Uncertain significance for Muscular dystrophy, limb-girdle, type 2W. Last evaluated: 2019-05-22. Review status: criteria provided, single submitter. Criteria: Invitae Variant Classification Sherloc (09022015). Collection method: clinical testing. Allele origin: germline.
Comment: This sequence change replaces leucine with proline at codon 76 of the LIMS2 protein (p.Leu76Pro). The leucine residue is highly conserved and there is a moderate physicochemical difference between leucine and proline. This variant is not present in population databases (ExAC no frequency). This variant has not been reported in the literature in individuals with LIMS2-related conditions. Algorithms developed to predict the effect of missense changes on protein structure and function are either unavailable or do not agree on the potential impact of this missense change (SIFT: "Deleterious"; PolyPhen-2: "Probably Damaging"; Align-GVGD: "Class C0"). In summary, the available evidence is currently insufficient to determine the role of this variant in disease. Therefore, it has been classified as a Variant of Uncertain Significance.

NM_001161403.3(LIMS2):c.161T>C (p.Leu54Pro)

Gene: LIMS2 (LIM zinc finger domain containing 2; minus strand). Cytogenetic location: 2q14.3.
Variant type: single nucleotide variant.
Coding change: c.161T>C on transcript NM_001161403.3 (MANE Select); coding-DNA position 161, T replaced by C.
Protein change: p.Leu54Pro; replaces leucine 54 with proline.
Molecular consequence: missense variant.
Genome position (GRCh38, 1-based): chr2:127,657,413, A>G on the plus strand (T>C on the coding strand, the complement: LIMS2 is on the minus strand). VCF-style: chr2-127657413-A-G. GRCh37 (hg19) VCF-style: chr2-128414987-A-G.
Other names: c.227T>C, p.Leu76Pro (NM_001136037.4); c.146T>C, p.Leu49Pro (NM_001161404.2); c.233T>C, p.Leu78Pro (NM_017980.5); short protein forms L76P, L78P, L54P, L49P.
Identifiers: ClinVar variation 939157 (VCV000939157.1), dbSNP rs1476186407, ClinGen allele CA348412647.